The following is an entry in ClinVar:

NM_181486.4(TBX5):c.511-1G>C

Gene: TBX5 (T-box transcription factor 5; minus strand). Cytogenetic location: 12q24.21.
Variant type: single nucleotide variant.
Coding change: c.511-1G>C on transcript NM_181486.4 (MANE Select); the canonical splice acceptor site of the intron before coding-DNA position 511, G replaced by C.
Molecular consequence: splice acceptor variant.
Genome position (GRCh38, 1-based): chr12:114,394,894, C>G on the plus strand (G>C on the coding strand, the complement: TBX5 is on the minus strand). VCF-style: chr12-114394894-C-G. GRCh37 (hg19) VCF-style: chr12-114832699-C-G.
Other names: c.361-1G>C (NM_080717.4); c.511-1G>C (NM_000192.3).
Identifiers: ClinVar variation 1068185 (VCV001068185.7), dbSNP rs2136411098, ClinGen allele CA386861629.

ClinVar aggregate classification (germline): Pathogenic (1 of 4 stars; one submission).

Conditions:
Aortic valve disease 2 (AOVD2). Identifiers: MedGen C3542024, MONDO:0013902, OMIM 614823.

Submission:

Labcorp Genetics (formerly Invitae), Labcorp
Classification: Pathogenic for Aortic valve disease 2. Last evaluated: 2022-08-16. Review status: criteria provided, single submitter. Criteria: Invitae Variant Classification Sherloc (09022015). Collection method: clinical testing. Allele origin: germline.
Comment: For these reasons, this variant has been classified as Pathogenic. Algorithms developed to predict the effect of sequence changes on RNA splicing suggest that this variant may disrupt the consensus splice site. ClinVar contains an entry for this variant (Variation ID: 1068185). Disruption of this splice site has been observed in individual(s) with Holt-Oram syndrome (Invitae). It has also been observed to segregate with disease in related individuals. This variant is not present in population databases (gnomAD no frequency). This sequence change affects an acceptor splice site in intron 5 of the TBX5 gene. It is expected to disrupt RNA splicing. Variants that disrupt the donor or acceptor splice site typically lead to a loss of protein function (PMID: 16199547), and loss-of-function variants in TBX5 are known to be pathogenic (PMID: 16183809, 16917909).

Literature cited by the submitters: PubMed 16199547; PubMed 16183809; PubMed 16917909.